The following is an entry in ClinVar:

NM_004817.4(TJP2):c.1591G>A (p.Val531Ile)

Gene: TJP2 (tight junction protein 2; plus strand). Cytogenetic location: 9q21.11.
Variant type: single nucleotide variant.
Coding change: c.1591G>A on transcript NM_004817.4 (MANE Select); coding-DNA position 1591, G replaced by A.
Protein change: p.Val531Ile; replaces valine 531 with isoleucine.
Molecular consequence: missense variant.
Genome position (GRCh38, 1-based): chr9:69,230,152, G>A. VCF-style: chr9-69230152-G-A. GRCh37 (hg19) VCF-style: chr9-71845068-G-A.
Other names: c.1522G>A, p.Val508Ile (NM_001170414.2, NM_001369871.1); c.1603G>A, p.Val535Ile (NM_001170415.1, NM_001369874.1, NM_001369875.1); c.1684G>A, p.Val562Ile (NM_001170416.2); c.1516G>A, p.Val506Ile (NM_001369870.1); c.1591G>A, p.Val531Ile (NM_001369872.1, NM_001369873.1, NM_201629.3); short protein forms V508I, V531I, V535I, V506I, V562I.
Identifiers: ClinVar variation 5002342 (VCV005002342.1).

ClinVar aggregate classification (germline): Uncertain significance (1 of 4 stars; one submission).

Conditions:
TJP2-related disorder. Also called: TJP2-related condition.

gnomAD v4.1: 2 of 1,614,222 alleles (0.00012%); no homozygotes.

Submission:

PreventionGenetics, part of Exact Sciences
Classification: Uncertain significance for TJP2-related condition. Last evaluated: 2025-07-26. Review status: criteria provided, single submitter. Criteria: ACMG Guidelines, 2015. Collection method: clinical testing. Allele origin: germline.
Comment: The TJP2 c.1591G>A variant is predicted to result in the amino acid substitution p.Val531Ile. To our knowledge, this variant has not been reported in the literature or in a large population database (gnomAD), indicating this variant is rare. At this time, the clinical significance of this variant is uncertain due to the absence of conclusive functional and genetic evidence.